The following is an entry in ClinVar:

ClinVar aggregate classification (germline): Uncertain significance (1 of 4 stars; one submission).

gnomAD v4.1: 1 of 1,613,912 alleles (0.000062%); highest among the groups gnomAD compares: African/African-American, 0.0013%; no homozygotes.

Submission:

Labcorp Genetics (formerly Invitae), Labcorp
Classification: Uncertain significance. Last evaluated: 2022-06-04. Review status: criteria provided, single submitter. Criteria: Invitae Variant Classification Sherloc (09022015). Collection method: clinical testing. Allele origin: germline.
Comment: This sequence change replaces glutamic acid, which is acidic and polar, with aspartic acid, which is acidic and polar, at codon 104 of the IFNAR2 protein (p.Glu104Asp). This variant is not present in population databases (gnomAD no frequency). This variant has not been reported in the literature in individuals affected with IFNAR2-related conditions. Algorithms developed to predict the effect of missense changes on protein structure and function output the following: SIFT: "Tolerated"; PolyPhen-2: "Probably Damaging"; Align-GVGD: "Class C0". The aspartic acid amino acid residue is found in multiple mammalian species, which suggests that this missense change does not adversely affect protein function. In summary, the available evidence is currently insufficient to determine the role of this variant in disease. Therefore, it has been classified as a Variant of Uncertain Significance.

NM_001289125.3(IFNAR2):c.312G>C (p.Glu104Asp)

Genes: IFNAR2 (interferon alpha and beta receptor subunit 2; plus strand), IFNAR2-IL10RB (IFNAR2-IL10RB readthrough; plus strand). Cytogenetic location: 21q22.11.
Variant type: single nucleotide variant.
Coding change: c.312G>C on transcript NM_001289125.3 (MANE Select); coding-DNA position 312, G replaced by C.
Protein change: p.Glu104Asp; replaces glutamic acid 104 with aspartic acid.
Molecular consequence: missense variant.
Genome position (GRCh38, 1-based): chr21:33,246,808, G>C. VCF-style: chr21-33246808-G-C. GRCh37 (hg19) VCF-style: chr21-34619113-G-C.
Other names: c.312G>C, p.Glu104Asp (NM_001414505.1, NM_000874.5, NM_001289126.2 and 5 more transcripts); short protein forms E104D.
Identifiers: ClinVar variation 1995080 (VCV001995080.4), dbSNP rs1453084175, ClinGen allele CA410097211.